The following is an entry in ClinVar:

NM_024818.6(UBA5):c.367_368insGA (p.Ala123fs)

Genes: NPHP3-ACAD11 (NPHP3-ACAD11 readthrough (NMD candidate); minus strand), UBA5 (ubiquitin like modifier activating enzyme 5; plus strand). Cytogenetic location: 3q22.1.
Variant type: Insertion.
Coding change: c.367_368insGA on transcript NM_024818.6 (MANE Select); coding-DNA positions 367 to 368, GA inserted.
Protein change: p.Ala123fs; shifts the reading frame from alanine 123.
Molecular consequence: frameshift variant.
Genome position: GRCh38 VCF-style: chr3-132668887-G-GGA. GRCh37 (hg19) VCF-style: chr3-132387731-G-GGA.
Other names: c.199_200insGA, p.Ala67fs (NM_001320210.2, NM_198329.4); c.97_98insGA, p.Ala33fs (NM_001321238.2); c.31_32insGA, p.Ala11fs (NM_001321239.1); short protein forms A11fs, A123fs, A33fs, A67fs.
Identifiers: ClinVar variation 3075781 (VCV003075781.1), dbSNP rs2530315359, ClinGen allele CA1139532480.

ClinVar aggregate classification (germline): Pathogenic (1 of 4 stars; one submission).

Conditions:
Developmental and epileptic encephalopathy. Identifiers: MedGen C5779964, MONDO:0100620.

Submission:

Laboratory for Molecular Medicine, Mass General Brigham Personalized Medicine
Classification: Pathogenic for Early-infantile DEE. Last evaluated: 2019-09-09. Review status: criteria provided, single submitter. Criteria: ACMG Guidelines, 2015. Collection method: clinical testing. Allele origin: germline. Inheritance: Autosomal recessive inheritance.
Comment: The p.Ala123GlyfsX4 variant in UBA5 has not been previously reported in individuals with early infantile epileptic encephalopathy and was absent from large population studies. The variant was detected in trans with a pathogenic hypomorphic variant (p.Ala371Thr) in an individual with infantile spasms, global developmental delay, and feeding difficulties by the Broad Institute Rare Genomes Project. This variant is predicted to cause a frameshift, which alters the protein’s amino acid sequence beginning at position 123 and leads to a premature termination codon 4 amino acids downstream. This alteration is then predicted to lead to a truncated or absent protein. In summary, this variant meets criteria to be classified as pathogenic for early infantile epileptic encephalopathy in an autosomal recessive manner based upon absence from controls, the presence of the variant in trans with a pathogenic variant in an affected individual, and the predicted impact of the variant on the protein. ACMG/AMP Criteria applied: PVS1, PM2, PM3.